The following is an entry in ClinVar:

ClinVar aggregate classification (germline): Uncertain significance (1 of 4 stars; one submission).

Conditions:
Early-infantile DEE. Also called: Early infantile epileptic encephalopathy with suppression bursts; Ohtahara syndrome; Early infantile epileptic encephalopathy. Identifiers: Orphanet 1934, MedGen C0393706, MONDO:0800491.

Allele frequency attached by ClinVar (database versions not stated): gnomAD 0.00001; ExAC 0.00002; gnomAD exomes 0.00002; TOPMed 0.00005.
gnomAD v4.1: 29 of 1,577,520 alleles (0.0018%); highest among the groups gnomAD compares: African/African-American, 0.0042%; no homozygotes.

Submission:

Labcorp Genetics (formerly Invitae), Labcorp
Classification: Uncertain significance for Early-infantile DEE. Last evaluated: 2025-09-28. Review status: criteria provided, single submitter. Criteria: Invitae Variant Classification Sherloc (09022015). Collection method: clinical testing. Allele origin: germline.
Comment: This sequence change replaces arginine, which is basic and polar, with glutamine, which is neutral and polar, at codon 48 of the ARHGEF15 protein (p.Arg48Gln). This variant is present in population databases (rs761325531, gnomAD 0.004%). This variant has not been reported in the literature in individuals affected with ARHGEF15-related conditions. ClinVar contains an entry for this variant (Variation ID: 653909). An algorithm developed to predict the effect of missense changes on protein structure and function outputs the following: PolyPhen-2: "Benign". The glutamine amino acid residue is found in multiple mammalian species, which suggests that this missense change does not adversely affect protein function. In summary, the available evidence is currently insufficient to determine the role of this variant in disease. Therefore, it has been classified as a Variant of Uncertain Significance.

NM_173728.4(ARHGEF15):c.143G>A (p.Arg48Gln)

Gene: ARHGEF15 (Rho guanine nucleotide exchange factor 15; plus strand). Cytogenetic location: 17p13.1.
Variant type: single nucleotide variant.
Coding change: c.143G>A on transcript NM_173728.4 (MANE Select); coding-DNA position 143, G replaced by A.
Protein change: p.Arg48Gln; replaces arginine 48 with glutamine.
Molecular consequence: missense variant.
Genome position (GRCh38, 1-based): chr17:8,312,182, G>A. VCF-style: chr17-8312182-G-A. GRCh37 (hg19) VCF-style: chr17-8215500-G-A.
Other names: c.143G>A, p.Arg48Gln (NM_025014.2); short protein forms R48Q.
Identifiers: ClinVar variation 653909 (VCV000653909.9), dbSNP rs761325531, ClinGen allele CA8374795.